The following is an entry in ClinVar:

NM_020937.4(FANCM):c.4405G>T (p.Asp1469Tyr)

Gene: FANCM (FA complementation group M; plus strand). Cytogenetic location: 14q21.2.
Variant type: single nucleotide variant.
Coding change: c.4405G>T on transcript NM_020937.4 (MANE Select); coding-DNA position 4405, G replaced by T.
Protein change: p.Asp1469Tyr; replaces aspartic acid 1469 with tyrosine.
Molecular consequence: missense variant.
Genome position (GRCh38, 1-based): chr14:45,183,792, G>T. VCF-style: chr14-45183792-G-T. GRCh37 (hg19) VCF-style: chr14-45652995-G-T.
Other names: c.4327G>T, p.Asp1443Tyr (NM_001308133.2); short protein forms D1443Y, D1469Y.
Identifiers: ClinVar variation 1039469 (VCV001039469.8), dbSNP rs1889211661, ClinGen allele CA389607518.

ClinVar aggregate classification (germline): Uncertain significance (1 of 4 stars; one submission).

Conditions:
Fanconi anemia (FA). Also called: Fanconi's anemia. Identifiers: Orphanet 84, MedGen C0015625, MeSH D005199, MONDO:0019391.

Submission:

Labcorp Genetics (formerly Invitae), Labcorp
Classification: Uncertain significance for Fanconi anemia. Last evaluated: 2020-03-10. Review status: criteria provided, single submitter. Criteria: Invitae Variant Classification Sherloc (09022015). Collection method: clinical testing. Allele origin: germline.
Comment: In summary, the available evidence is currently insufficient to determine the role of this variant in disease. Therefore, it has been classified as a Variant of Uncertain Significance. Algorithms developed to predict the effect of missense changes on protein structure and function are either unavailable or do not agree on the potential impact of this missense change (SIFT: "Deleterious"; PolyPhen-2: "Probably Damaging"; Align-GVGD: "Class C0"). This variant has not been reported in the literature in individuals with FANCM-related conditions. This variant is not present in population databases (ExAC no frequency). This sequence change replaces aspartic acid with tyrosine at codon 1469 of the FANCM protein (p.Asp1469Tyr). The aspartic acid residue is moderately conserved and there is a large physicochemical difference between aspartic acid and tyrosine.